The following is an entry in ClinVar:

ClinVar aggregate classification (germline): Uncertain significance (1 of 4 stars; one submission).

Allele frequency attached by ClinVar (database versions not stated): gnomAD exomes below 0.00001.
gnomAD v4.1: 3 of 1,614,126 alleles (0.00019%); highest among the groups gnomAD compares: Admixed American, 0.0017%; no homozygotes.

Submission:

Labcorp Genetics (formerly Invitae), Labcorp
Classification: Uncertain significance. Last evaluated: 2021-05-17. Review status: criteria provided, single submitter. Criteria: Invitae Variant Classification Sherloc (09022015). Collection method: clinical testing. Allele origin: germline.
Comment: Algorithms developed to predict the effect of missense changes on protein structure and function (SIFT, PolyPhen-2, Align-GVGD) all suggest that this variant is likely to be tolerated, but these predictions have not been confirmed by published functional studies and their clinical significance is uncertain. This sequence change replaces glutamic acid with lysine at codon 3074 of the LAMA1 protein (p.Glu3074Lys). The glutamic acid residue is weakly conserved and there is a small physicochemical difference between glutamic acid and lysine. This variant is not present in population databases (ExAC no frequency). This variant has not been reported in the literature in individuals with LAMA1-related conditions. In summary, the available evidence is currently insufficient to determine the role of this variant in disease. Therefore, it has been classified as a Variant of Uncertain Significance.

NM_005559.4(LAMA1):c.9220G>A (p.Glu3074Lys)

Gene: LAMA1 (laminin subunit alpha 1; minus strand). Cytogenetic location: 18p11.31.
Variant type: single nucleotide variant.
Coding change: c.9220G>A on transcript NM_005559.4 (MANE Select); coding-DNA position 9220, G replaced by A.
Protein change: p.Glu3074Lys; replaces glutamic acid 3074 with lysine.
Molecular consequence: missense variant.
Genome position (GRCh38, 1-based): chr18:6,942,087, C>T on the plus strand (G>A on the coding strand, the complement: LAMA1 is on the minus strand). VCF-style: chr18-6942087-C-T. GRCh37 (hg19) VCF-style: chr18-6942086-C-T.
Other names: short protein forms E3074K.
Identifiers: ClinVar variation 1354259 (VCV001354259.8), dbSNP rs1386169001, ClinGen allele CA401831788.